The following is an entry in ClinVar:

ClinVar aggregate classification (germline): Uncertain significance (1 of 4 stars; one submission).

gnomAD v4.1: 1 of 1,202,507 alleles (0.000083%); highest among the groups gnomAD compares: Non-Finnish European, 0.00011%; no homozygotes.

Submission:

Labcorp Genetics (formerly Invitae), Labcorp
Classification: Uncertain significance. Last evaluated: 2024-12-03. Review status: criteria provided, single submitter. Criteria: Invitae Variant Classification Sherloc (09022015). Collection method: clinical testing. Allele origin: germline.
Comment: This sequence change replaces asparagine, which is neutral and polar, with serine, which is neutral and polar, at codon 13 of the NAA10 protein (p.Asn13Ser). This variant is not present in population databases (gnomAD no frequency). This variant has not been reported in the literature in individuals affected with NAA10-related conditions. An algorithm developed to predict the effect of missense changes on protein structure and function (PolyPhen-2) suggests that this variant is likely to be tolerated. In summary, the available evidence is currently insufficient to determine the role of this variant in disease. Therefore, it has been classified as a Variant of Uncertain Significance.

NM_003491.4(NAA10):c.38A>G (p.Asn13Ser)

Gene: NAA10 (N-alpha-acetyltransferase 10, NatA catalytic subunit; minus strand). Cytogenetic location: Xq28.
Variant type: single nucleotide variant.
Coding change: c.38A>G on transcript NM_003491.4 (MANE Select); coding-DNA position 38, A replaced by G.
Protein change: p.Asn13Ser; replaces asparagine 13 with serine.
Molecular consequence: missense variant.
Genome position (GRCh38, 1-based): chrX:153,934,459, T>C on the plus strand (A>G on the coding strand, the complement: NAA10 is on the minus strand). VCF-style: chrX-153934459-T-C. GRCh37 (hg19) VCF-style: chrX-153199912-T-C.
Other names: c.38A>G, p.Asn13Ser (NM_001256119.2, NM_001256120.2); short protein forms N13S.
Identifiers: ClinVar variation 3724834 (VCV003724834.2).
Genomic context (GRCh38, chrX:153,934,459, plus strand): 5'-TAGAAGTAGTATTTCATCTGGTAGTTCTCGGGCAGGCAGAGGAGGTTGCAGTGCTGCATG[T>C]TCATTAGGTCCTCTGGCTGCAGGGAAGGAGGGCAGTGGAACGCGCTCAGTCTAAGGCGGC-3'
Protein context (NP_003482.1, residues 3-23): IRNARPEDLM[Asn13Ser]MQHCNLLCLP